The following is an entry in ClinVar:

ClinVar aggregate classification (germline): Uncertain significance (1 of 4 stars; one submission).

Conditions:
Holoprosencephaly-hypokinesia-congenital contractures syndrome. Also called: Holoprosencephaly with fetal akinesia/hypokinesia sequence. Identifiers: Orphanet 2570, MedGen C1844016, MONDO:0010610, OMIM 306990.

Submission:

Illumina Laboratory Services, Illumina
Classification: Uncertain significance for Holoprosencephaly-hypokinesia-congenital contractures syndrome. Last evaluated: 2019-04-29. Review status: criteria provided, single submitter. Criteria: ICSLVariantClassificationCriteria RUGD 01 April 2020. Collection method: clinical testing. Allele origin: unknown.
Comment: The GPKOW c.1279G>C p.(Gly427Arg) missense variant has not, to our knowledge, been reported in the peer-reviewed literature. This variant is not observed in version 2.1.1 of the Genome Aggregation Database. The Gly427 residue is located in the second KOW domain (Zang et al. 2014). Based on the limited evidence, the c.1279G>C p.(Gly427Arg) variant is classified as a variant of uncertain significance for holoprosencephaly-hypokinesia-congenital contractures syndrome.

NM_015698.6(GPKOW):c.1279G>C (p.Gly427Arg)

Gene: GPKOW (G-patch domain and KOW motifs; minus strand). Cytogenetic location: Xp11.23.
Variant type: single nucleotide variant.
Coding change: c.1279G>C on transcript NM_015698.6 (MANE Select); coding-DNA position 1279, G replaced by C.
Protein change: p.Gly427Arg; replaces glycine 427 with arginine.
Molecular consequence: missense variant.
Genome position (GRCh38, 1-based): chrX:49,113,870, C>G on the plus strand (G>C on the coding strand, the complement: GPKOW is on the minus strand). VCF-style: chrX-49113870-C-G. GRCh37 (hg19) VCF-style: chrX-48970808-C-G.
Other names: short protein forms G427R.
Identifiers: ClinVar variation 3062092 (VCV003062092.1), dbSNP rs2520304315, ClinGen allele CA412910410.